The following is an entry in ClinVar:

NM_145020.5(CFAP53):c.*4C>T

Gene: CFAP53 (cilia and flagella associated protein 53; minus strand). Cytogenetic location: 18q21.1.
Variant type: single nucleotide variant.
Coding change: c.*4C>T on transcript NM_145020.5 (MANE Select); 4 bases downstream of the stop codon, C replaced by T.
Molecular consequence: 3 prime UTR variant.
Genome position (GRCh38, 1-based): chr18:50,227,377, G>A on the plus strand (C>T on the coding strand, the complement: CFAP53 is on the minus strand). VCF-style: chr18-50227377-G-A. GRCh37 (hg19) VCF-style: chr18-47753747-G-A.
Identifiers: ClinVar variation 3043070 (VCV003043070.2), dbSNP rs574592418, ClinGen allele CA8962071.

ClinVar aggregate classification (germline): Likely benign (0 of 4 stars; one submission).

Conditions:
CFAP53-related disorder. Also called: CFAP53-related condition.

Allele frequency attached by ClinVar (database versions not stated): gnomAD 0.00002; TOPMed 0.00003; 1000 Genomes Project 30x 0.00016; 1000 Genomes Project 0.00020; ExAC 0.00028.
gnomAD v4.1: 223 of 1,605,982 alleles (0.014%); highest among the groups gnomAD compares: South Asian, 0.15%; 1 homozygote.

Submission:

PreventionGenetics, part of Exact Sciences
Classification: Likely benign for CFAP53-related condition. Last evaluated: 2019-06-28. Review status: no assertion criteria provided. Collection method: clinical testing. Allele origin: germline.
Comment: This variant is classified as likely benign based on ACMG/AMP sequence variant interpretation guidelines (Richards et al. 2015 PMID: 25741868, with internal and published modifications).